The following is an entry in ClinVar:

NM_000337.6(SGCD):c.97C>T (p.Arg33Ter)

Gene: SGCD (sarcoglycan delta; plus strand). Cytogenetic location: 5q33.3.
Variant type: single nucleotide variant.
Coding change: c.97C>T on transcript NM_000337.6 (MANE Select); coding-DNA position 97, C replaced by T.
Protein change: p.Arg33Ter; replaces arginine 33 with a stop codon.
Molecular consequence: nonsense.
Genome position (GRCh38, 1-based): chr5:156,344,582, C>T. VCF-style: chr5-156344582-C-T. GRCh37 (hg19) VCF-style: chr5-155771592-C-T.
Other names: c.97C>T (NM_000337.5); c.94C>T, p.Arg32Ter (NM_001128209.2); c.97C>T, p.Arg33Ter (NM_172244.3); short protein forms R33*, R32*.
Identifiers: ClinVar variation 1451957 (VCV001451957.11), dbSNP rs778760498, ClinGen allele CA3530488.
Genomic context (GRCh38, chr5:156,344,582, plus strand): 5'-ACCATGCCTGGCTCTGTGGGGCCACAGGTATACAAGGTGGGGATTTATGGCTGGCGGAAA[C>T]GATGCCTGTATTTCTTTGTCCTGCTCCTCATGATTTTAATACTGGTGAACTTGGCCATGA-3'

ClinVar aggregate classification (germline): Pathogenic/Likely pathogenic. Review status: criteria provided, multiple submitters, no conflicts (2 of 4 stars). 6 submissions from 6 submitters: Pathogenic (5); Likely pathogenic (1). Last evaluated 2024-03-17.

Conditions:
SGCD-related disorder. Also called: SGCD-related condition.
Autosomal recessive limb-girdle muscular dystrophy type 2F (LGMDR6). Also called: Muscular dystrophy limb-girdle with delta-sarcoglyan deficiency; MUSCULAR DYSTROPHY, LIMB-GIRDLE, AUTOSOMAL RECESSIVE 6. Identifiers: Orphanet 219, MedGen C1832525, MONDO:0011028, OMIM 601287. Disease mechanism: Affects gamma-sarcoglycan and also disrupts the integrity of the entire sarcoglycan complex..
Dilated cardiomyopathy 1L (CMD1L). Identifiers: Orphanet 154, MedGen C1847667, MONDO:0011702, OMIM 606685.

Allele frequency attached by ClinVar (database versions not stated): gnomAD exomes below 0.00001 and 0.00001; ExAC 0.00001; TOPMed 0.00001.
gnomAD v4.1: 8 of 1,612,078 alleles (0.0005%); highest among the groups gnomAD compares: Non-Finnish European, 0.00068%; no homozygotes.

Submissions (6):

Genomic Medicine Center of Excellence, King Faisal Specialist Hospital and Research Centre
Classification: Pathogenic for Autosomal recessive limb-girdle muscular dystrophy type 2F. Last evaluated: 2024-03-17. Review status: criteria provided, single submitter. Criteria: ACMG Guidelines, 2015. Collection method: research. Allele origin: germline.

Genome-Nilou Lab
Classification: Pathogenic for Autosomal recessive limb-girdle muscular dystrophy type 2F. Last evaluated: 2023-02-08. Review status: criteria provided, single submitter. Criteria: ACMG Guidelines, 2015. Collection method: clinical testing. Allele origin: germline.

GeneDx
Classification: Pathogenic. Last evaluated: 2022-10-11. Review status: criteria provided, single submitter. Criteria: GeneDx Variant Classification Process June 2021. Collection method: clinical testing. Allele origin: germline. Affected: yes.
Comment: Nonsense variant predicted to result in protein truncation or nonsense mediated decay in a gene for which loss of function is a known mechanism of disease; Not observed at significant frequency in large population cohorts (gnomAD); This variant is associated with the following publications: (PMID: 20623375)

Fulgent Genetics
Classification: Pathogenic for Autosomal recessive limb-girdle muscular dystrophy type 2F; Dilated cardiomyopathy 1L. Last evaluated: 2021-10-22. Review status: criteria provided, single submitter. Criteria: ACMG Guidelines, 2015. Collection method: clinical testing. Allele origin: unknown.

Labcorp Genetics (formerly Invitae), Labcorp
Classification: Pathogenic for Autosomal recessive limb-girdle muscular dystrophy type 2F. Last evaluated: 2021-08-18. Review status: criteria provided, single submitter. Criteria: Invitae Variant Classification Sherloc (09022015). Collection method: clinical testing. Allele origin: germline.
Comment: This sequence change creates a premature translational stop signal (p.Arg33*) in the SGCD gene. It is expected to result in an absent or disrupted protein product. Loss-of-function variants in SGCD are known to be pathogenic (PMID: 8841194, 10735275, 10838250). This variant is present in population databases (rs778760498, ExAC 0.001%). This premature translational stop signal has been observed in individual(s) with limb-girdle muscular dystrophy (PMID: 20623375). For these reasons, this variant has been classified as Pathogenic.

Blueprint Genetics
Classification: Likely pathogenic for SGCD-related disorders. Last evaluated: 2019-05-17. Review status: criteria provided, single submitter. Criteria: ACMG Guidelines, 2015. Collection method: clinical testing. Allele origin: germline. Affected: yes. Observed: 1 variant allele.

Literature cited by the submitters: PubMed 8841194 (cited by Labcorp Genetics (formerly Invitae), Labcorp); PubMed 10735275 (cited by Labcorp Genetics (formerly Invitae), Labcorp); PubMed 10838250 (cited by Labcorp Genetics (formerly Invitae), Labcorp); PubMed 20623375 (cited by Labcorp Genetics (formerly Invitae), Labcorp).